The following is an entry in ClinVar:

ClinVar aggregate classification (germline): Uncertain significance. Review status: criteria provided, multiple submitters, no conflicts (2 of 4 stars). 2 submissions from 2 submitters: Uncertain significance (2). Last evaluated 2025-08-07.

Conditions:
Inborn genetic diseases. Identifiers: MedGen C0950123, MeSH D030342.
Muscle AMP deaminase deficiency (MMDD). Also called: Myoadenylate deaminase deficiency, myopathy due to; Adenosine monophosphate deaminase 1 deficiency; AMP deaminase 1 deficiency; Adenosine Monophosphate Deaminase 1; ADENOSINE MONOPHOSPHATE DEAMINASE-1 DEFICIENCY, MYOPATHY DUE TO; AMPD1 DEFICIENCY. Identifiers: Orphanet 45, MedGen C3714933, MONDO:0014220, OMIM 615511.

Allele frequency attached by ClinVar (database versions not stated): gnomAD 0.00001; gnomAD exomes 0.00001 and 0.00002; TOPMed 0.00004; 1000 Genomes Project 30x 0.00016; 1000 Genomes Project 0.00020.
gnomAD v4.1: 8 of 1,613,956 alleles (0.0005%); highest among the groups gnomAD compares: Admixed American, 0.012%; no homozygotes.

Submissions (2):

Ambry Genetics
Classification: Uncertain significance for Inborn genetic diseases. Last evaluated: 2025-08-07. Review status: criteria provided, single submitter. Criteria: Ambry Variant Classification Scheme 2023. Collection method: clinical testing. Allele origin: germline.

Labcorp Genetics (formerly Invitae), Labcorp
Classification: Uncertain significance for Muscle AMP deaminase deficiency. Last evaluated: 2022-08-06. Review status: criteria provided, single submitter. Criteria: Invitae Variant Classification Sherloc (09022015). Collection method: clinical testing. Allele origin: germline.
Comment: This sequence change replaces histidine, which is basic and polar, with arginine, which is basic and polar, at codon 294 of the AMPD1 protein (p.His294Arg). This variant is present in population databases (rs554380360, gnomAD 0.02%). This variant has not been reported in the literature in individuals affected with AMPD1-related conditions. ClinVar contains an entry for this variant (Variation ID: 1400056). Algorithms developed to predict the effect of missense changes on protein structure and function are either unavailable or do not agree on the potential impact of this missense change (SIFT: "Tolerated"; PolyPhen-2: "Probably Damaging"; Align-GVGD: "Class C0"). In summary, the available evidence is currently insufficient to determine the role of this variant in disease. Therefore, it has been classified as a Variant of Uncertain Significance.

NM_000036.3(AMPD1):c.782A>G (p.His261Arg)

Gene: AMPD1 (adenosine monophosphate deaminase 1; minus strand). Cytogenetic location: 1p13.2.
Variant type: single nucleotide variant.
Coding change: c.782A>G on transcript NM_000036.3 (MANE Select); coding-DNA position 782, A replaced by G.
Protein change: p.His261Arg; replaces histidine 261 with arginine.
Molecular consequence: missense variant.
Genome position (GRCh38, 1-based): chr1:114,679,694, T>C on the plus strand (A>G on the coding strand, the complement: AMPD1 is on the minus strand). VCF-style: chr1-114679694-T-C. GRCh37 (hg19) VCF-style: chr1-115222315-T-C.
Other names: c.770A>G, p.His257Arg (NM_001172626.2); c.881A>G (NM_000036.2); short protein forms H261R, H257R.
Identifiers: ClinVar variation 1400056 (VCV001400056.6), dbSNP rs554380360, ClinGen allele CA29056815.
Genomic context (GRCh38, chr1:114,679,694, plus strand): 5'-TCCATCTCGTTAAGCATCTGATGGACCTGGAACTTGGAGGAGAGGAACTTCAGGCGCCGG[T>C]GGGTATAGGTCTTACTGTGAAAAATAAAATCACATAATTCCAAAAAGTTTCAGGCATTCA-3'
Protein context (NP_000027.3, residues 251-271): IAQGPVKTYT[His261Arg]RRLKFLSSKF